The following is an entry in ClinVar:

ClinVar aggregate classification (germline): Uncertain significance (1 of 4 stars; one submission).

gnomAD v4.1: 1 of 1,572,040 alleles (0.000064%); highest among the groups gnomAD compares: Non-Finnish European, 0.000086%; no homozygotes.

Submission:

Labcorp Genetics (formerly Invitae), Labcorp
Classification: Uncertain significance. Last evaluated: 2025-03-04. Review status: criteria provided, single submitter. Criteria: Invitae Variant Classification Sherloc (09022015). Collection method: clinical testing. Allele origin: germline.
Comment: This sequence change replaces serine, which is neutral and polar, with asparagine, which is neutral and polar, at codon 349 of the DOT1L protein (p.Ser349Asn). This variant is not present in population databases (gnomAD no frequency). This variant has not been reported in the literature in individuals affected with DOT1L-related conditions. An algorithm developed to predict the effect of missense changes on protein structure and function outputs the following: PolyPhen-2: "Benign". The asparagine amino acid residue is found in multiple mammalian species, which suggests that this missense change does not adversely affect protein function. In summary, the available evidence is currently insufficient to determine the role of this variant in disease. Therefore, it has been classified as a Variant of Uncertain Significance.

NM_032482.3(DOT1L):c.1046G>A (p.Ser349Asn)

Gene: DOT1L (DOT1 like histone lysine methyltransferase; plus strand). Cytogenetic location: 19p13.3.
Variant type: single nucleotide variant.
Coding change: c.1046G>A on transcript NM_032482.3 (MANE Select); coding-DNA position 1046, G replaced by A.
Protein change: p.Ser349Asn; replaces serine 349 with asparagine.
Molecular consequence: missense variant.
Genome position (GRCh38, 1-based): chr19:2,210,440, G>A. VCF-style: chr19-2210440-G-A. GRCh37 (hg19) VCF-style: chr19-2210439-G-A.
Other names: c.1046G>A, p.Ser349Asn (NM_001411141.1); short protein forms S349N.
Identifiers: ClinVar variation 4714295 (VCV004714295.1).